The following is an entry in ClinVar:

NM_001099403.2(PRDM8):c.901A>G (p.Ser301Gly)

Gene: PRDM8 (PR/SET domain 8; plus strand). Cytogenetic location: 4q21.21.
Variant type: single nucleotide variant.
Coding change: c.901A>G on transcript NM_001099403.2 (MANE Select); coding-DNA position 901, A replaced by G.
Protein change: p.Ser301Gly; replaces serine 301 with glycine.
Molecular consequence: missense variant.
Genome position (GRCh38, 1-based): chr4:80,202,363, A>G. VCF-style: chr4-80202363-A-G. GRCh37 (hg19) VCF-style: chr4-81123517-A-G.
Other names: c.901A>G, p.Ser301Gly (NM_020226.4); short protein forms S301G.
Identifiers: ClinVar variation 1488956 (VCV001488956.6), dbSNP rs2109878731, ClinGen allele CA357396593.

ClinVar aggregate classification (germline): Uncertain significance (1 of 4 stars; one submission).

Conditions:
Early-onset Lafora body disease. Also called: Epilepsy, progressive myoclonic, 10. Identifiers: Orphanet 324290, MedGen C4225258, MONDO:0014717, OMIM 616640.

Submission:

Labcorp Genetics (formerly Invitae), Labcorp
Classification: Uncertain significance for Early-onset Lafora body disease. Last evaluated: 2024-02-17. Review status: criteria provided, single submitter. Criteria: Invitae Variant Classification Sherloc (09022015). Collection method: clinical testing. Allele origin: germline.
Comment: This sequence change replaces serine, which is neutral and polar, with glycine, which is neutral and non-polar, at codon 301 of the PRDM8 protein (p.Ser301Gly). This variant is not present in population databases (gnomAD no frequency). This variant has not been reported in the literature in individuals affected with PRDM8-related conditions. ClinVar contains an entry for this variant (Variation ID: 1488956). Advanced modeling of protein sequence and biophysical properties (such as structural, functional, and spatial information, amino acid conservation, physicochemical variation, residue mobility, and thermodynamic stability) performed at Invitae indicates that this missense variant is not expected to disrupt PRDM8 protein function with a negative predictive value of 80%. In summary, the available evidence is currently insufficient to determine the role of this variant in disease. Therefore, it has been classified as a Variant of Uncertain Significance.